The following is an entry in ClinVar:

ClinVar aggregate classification (germline): Pathogenic (1 of 4 stars; one submission).

Conditions:
Juvenile polyposis syndrome (JPS). Identifiers: Orphanet 2929, MedGen C0345893, MONDO:0017380, OMIM 174900.

Submission:

Labcorp Genetics (formerly Invitae), Labcorp
Classification: Pathogenic for Juvenile polyposis syndrome. Last evaluated: 2025-07-13. Review status: criteria provided, single submitter. Criteria: Invitae Variant Classification Sherloc (09022015). Collection method: clinical testing. Allele origin: germline.
Comment: This sequence change creates a premature translational stop signal (p.Leu280*) in the SMAD4 gene. It is expected to result in an absent or disrupted protein product. Loss-of-function variants in SMAD4 are known to be pathogenic (PMID: 16152648, 16436638, 22810475). This variant is not present in population databases (gnomAD no frequency). This variant has not been reported in the literature in individuals affected with SMAD4-related conditions. For these reasons, this variant has been classified as Pathogenic.

Literature cited by the submitters: PubMed 16152648; PubMed 16436638; PubMed 22810475.

NM_005359.6(SMAD4):c.839T>A (p.Leu280Ter)

Gene: SMAD4 (SMAD family member 4; plus strand). Cytogenetic location: 18q21.2.
Variant type: single nucleotide variant.
Coding change: c.839T>A on transcript NM_005359.6 (MANE Select); coding-DNA position 839, T replaced by A.
Protein change: p.Leu280Ter; replaces leucine 280 with a stop codon.
Molecular consequence: nonsense. On other transcripts: non-coding transcript variant (2).
Genome position (GRCh38, 1-based): chr18:51,058,391, T>A. VCF-style: chr18-51058391-T-A. GRCh37 (hg19) VCF-style: chr18-48584761-T-A.
Other names: c.839T>A, p.Leu280Ter (NM_001407041.1, NM_001407042.1, NM_001407043.1); short protein forms L280*.
Identifiers: ClinVar variation 4717227 (VCV004717227.1).